The following is an entry in ClinVar:

NM_002485.5(NBN):c.306del (p.Phe102fs)

Gene: NBN (nibrin; minus strand). Cytogenetic location: 8q21.3.
Variant type: Deletion.
Coding change: c.306del on transcript NM_002485.5 (MANE Select); coding-DNA position 306, one base deleted (T; older notation c.306delT).
Protein change: p.Phe102fs; shifts the reading frame from phenylalanine 102.
Molecular consequence: frameshift variant.
Genome position (GRCh38, 1-based): chr8:89,981,389, A deleted on the plus strand (T on the coding strand, the reverse complement: NBN is on the minus strand); the first of 3 consecutive A bases (chr8:89,981,389-89,981,391); deleting any one gives the same sequence. VCF-style (leftmost placement, unchanged base first): chr8-89981388-CA-C. GRCh37 (hg19) VCF-style: chr8-90993616-CA-C.
Other names: c.306delT (NM_002485.4); c.60del, p.Phe20fs (NM_001024688.3); short protein forms F20fs.
Identifiers: ClinVar variation 140828 (VCV000140828.27), dbSNP rs587781305, ClinGen allele CA163677.

ClinVar aggregate classification (germline): Pathogenic/Likely pathogenic. Review status: criteria provided, multiple submitters, no conflicts (2 of 4 stars). 9 submissions from 9 submitters: Pathogenic (4); Likely pathogenic (4). 1 of the submissions does not count toward it. Last evaluated 2024-12-04.

Conditions:
Hereditary cancer-predisposing syndrome. Also called: Neoplastic Syndromes, Hereditary; Hereditary Cancer Syndrome; Hereditary neoplastic syndrome; Tumor predisposition. Identifiers: Orphanet 140162, MedGen C0027672, MeSH D009386, MONDO:0015356.
Aplastic anemia. Identifiers: Orphanet 182040, Orphanet 88, MedGen C0002874, MONDO:0015909, OMIM 609135, HP:0001915.
Microcephaly, normal intelligence and immunodeficiency (NBS). Also called: Immunodeficiency, microcephaly with normal intelligence; SEEMANOVA SYNDROME II; Nijmegen breakage syndrome; Microcephaly with normal intelligence immunodeficiency and lymphoreticular malignancies; Nonsyndromal microcephaly autosomal recessive with normal intelligence; Seemanova syndrome 2. Identifiers: Orphanet 647, MedGen C0398791, MONDO:0009623, OMIM 251260.

Submissions (9):

Natera, Inc.
Classification: Likely pathogenic for Nijmegen breakage syndrome. Last evaluated: 2024-12-04. Review status: criteria provided, single submitter. Criteria: Natera Variant Classification Schema (03/2026). Collection method: clinical testing. Allele origin: germline.
Comment: The c.306delT variant in NBN is a frameshift variant predicted to shift the reading frame beginning at codon 102 and leads to a stop codon 7 codons downstream. This variant is expected to result in nonsense mediated decay, truncation, or a dysfunctional protein product. This variant is rare in the general population with a frequency below the threshold expected for the associated phenotype(s). Given the available evidence, this variant is classified as Likely Pathogenic.

Baylor Genetics
Classification: Likely pathogenic for Aplastic anemia. Last evaluated: 2023-05-02. Review status: criteria provided, single submitter. Criteria: ACMG Guidelines, 2015. Collection method: clinical testing. Allele origin: unknown.

Labcorp Genetics (formerly Invitae), Labcorp
Classification: Pathogenic for Microcephaly, normal intelligence and immunodeficiency. Last evaluated: 2023-01-13. Review status: criteria provided, single submitter. Criteria: Invitae Variant Classification Sherloc (09022015). Collection method: clinical testing. Allele origin: germline.
Comment: This variant is present in population databases (rs587781305, gnomAD 0.0009%). For these reasons, this variant has been classified as Pathogenic. ClinVar contains an entry for this variant (Variation ID: 140828). This premature translational stop signal has been observed in individual(s) with features of NBN-related conditions (PMID: 24763289). This sequence change creates a premature translational stop signal (p.Phe102Leufs*7) in the NBN gene. It is expected to result in an absent or disrupted protein product. Loss-of-function variants in NBN are known to be pathogenic (PMID: 9590180, 16415040).

GeneDx
Classification: Likely pathogenic. Last evaluated: 2021-11-10. Review status: criteria provided, single submitter. Criteria: GeneDx Variant Classification Process June 2021. Collection method: clinical testing. Allele origin: germline. Affected: yes.
Comment: Frameshift variant predicted to result in protein truncation or nonsense mediated decay in a gene for which loss-of-function is a known mechanism of disease; Not observed in large population cohorts (Lek 2016); This variant is associated with the following publications: (PMID: 24763289)

Genome-Nilou Lab
Classification: Pathogenic for Microcephaly, normal intelligence and immunodeficiency. Last evaluated: 2021-11-07. Review status: criteria provided, single submitter. Criteria: ACMG Guidelines, 2015. Collection method: clinical testing. Allele origin: germline. Affected: no.

Quest Diagnostics Nichols Institute San Juan Capistrano
Classification: Likely pathogenic. Last evaluated: 2020-11-10. Review status: criteria provided, single submitter. Criteria: Quest Diagnostics criteria. Collection method: clinical testing. Allele origin: unknown.
Comment: This frameshift variant is predicted to cause the premature termination of NBN protein synthesis. It has been reported in an individual undergoing hereditary cancer multigene panel testing in the published literature (PMID: 24763289 (2014)). Based on the available information, we predict that the variant is likely pathogenic.

Revvity Omics, Revvity
Classification: Pathogenic. Last evaluated: 2019-07-01. Review status: criteria provided, single submitter. Criteria: ACMG Guidelines, 2015. Collection method: clinical testing. Allele origin: germline.

Ambry Genetics
Classification: Pathogenic for Hereditary cancer-predisposing syndrome. Last evaluated: 2013-02-04. Review status: criteria provided, single submitter. Criteria: Ambry Autosomal Dominant and X-Linked criteria (10/2015). Collection method: clinical testing. Allele origin: germline. Observed: 1 variant allele.
Comment: This alteration is expected to result in loss of function by premature protein truncation or nonsense-mediatedâ€¯mRNAâ€¯decay.â€¯As such, this alteration is interpreted as a disease-causing mutation.

Counsyl
Classification: Likely pathogenic for Microcephaly, normal intelligence and immunodeficiency. Last evaluated: 2017-08-18. Review status: no assertion criteria provided. Collection method: clinical testing. Allele origin: unknown. Not counted in ClinVar's aggregate classification.

Literature cited by the submitters: PubMed 24763289 (cited by Labcorp Genetics (formerly Invitae), Labcorp and Quest Diagnostics Nichols Institute San Juan Capistrano); PubMed 9590180 (cited by Labcorp Genetics (formerly Invitae), Labcorp); PubMed 16415040 (cited by Labcorp Genetics (formerly Invitae), Labcorp).